The following is an entry in ClinVar:

ClinVar aggregate classification (germline): Pathogenic/Likely pathogenic. Review status: criteria provided, multiple submitters, no conflicts (2 of 4 stars). 2 submissions from 2 submitters: Pathogenic (1); Likely pathogenic (1). Last evaluated 2018-02-28.

Conditions:
Renal tubular dysgenesis. Also called: Renotubular dysgenesis. Identifiers: Orphanet 3033, MedGen C0266313, MONDO:0017609, HP:0008660.

Allele frequency attached by ClinVar (database versions not stated): gnomAD exomes below 0.00001; gnomAD 0.00001 and 0.00002; TOPMed 0.00001.

Submissions (2):

GeneDx
Classification: Likely pathogenic. Last evaluated: 2018-02-28. Review status: criteria provided, single submitter. Criteria: GeneDx Variant Classification (06012015). Collection method: clinical testing. Allele origin: germline. Affected: yes.
Comment: The c.12_31del20 variant in the ACE gene has not been reported previously as a pathogenic variant nor as a benign variant, to our knowledge. The c.12_31del20 variant causes a frameshift starting with codon Serine 5, changes this amino acid to an Alanine residue, and creates a premature Stop codon at position 31 of the new reading frame, denoted p.Ser5AlafsX31. This variant is predicted to cause loss of normal protein function either through protein truncation or nonsense-mediated mRNA decay. The c.12_31del20 variant is not observed in large population cohorts (Lek et al., 2016). We interpret c.12_31del20 as a likely pathogenic variant.

Laboratory for Molecular Medicine, Mass General Brigham Personalized Medicine
Classification: Pathogenic for Renal dysplasia. Last evaluated: 2014-09-24. Review status: criteria provided, single submitter. Criteria: LMM Criteria. Collection method: clinical testing. Allele origin: germline. Inheritance: Autosomal recessive inheritance. Observed: 1 variant allele. Study: CSER-MedSeq.
Comment: The Ser5AlafsX31 variant in ACE has not been previously reported in individuals with renal tubular dysgenesis and data from large population studies is insufficient to assess the frequency of this variant. This frameshift variant is predicted to alter the protein’s amino acid sequence beginning at position 5 and lead to a premature termination codon 31 amino acids downstream. This alteration is then predicted to lead to a truncated or absent protein. Loss of function variants in exon 1 of the ACE gene - encoding the signal peptide - have been associated with renal tubular dysgenesis in homozygous and compound heterozygous individuals (Gribouval 2012). In summary, this variant meets our criteria to be classified as pathogenic.

Literature cited by the submitters: PubMed 22095942 (cited by Laboratory for Molecular Medicine, Mass General Brigham Personalized Medicine).

NM_000789.4(ACE):c.12_31del (p.Ser5fs)

Gene: ACE (angiotensin I converting enzyme; plus strand). Cytogenetic location: 17q23.3.
Variant type: Deletion.
Coding change: c.12_31del on transcript NM_000789.4 (MANE Select); coding-DNA positions 12 to 31, 20 bases deleted (CTCGGGCCGCCGGGGGCCGG).
Protein change: p.Ser5fs; shifts the reading frame from serine 5.
Molecular consequence: frameshift variant.
Genome position (GRCh38, 1-based): chr17:63,477,106-63,477,125, CTCGGGCCGCCGGGGGCCGG deleted. VCF-style (leftmost placement, unchanged base first): chr17-63477105-CCTCGGGCCGCCGGGGGCCGG-C. GRCh37 (hg19) VCF-style: chr17-61554466-CCTCGGGCCGCCGGGGGCCGG-C.
Other names: short protein forms S5fs.
Identifiers: ClinVar variation 208559 (VCV000208559.5), dbSNP rs797045079, ClinGen allele CA204543.
Genomic context (GRCh38, chr17:63,477,105, plus strand): 5'-GCGGCCGCGGCGCAGGAGAAGGGGCAGAGCCGAGCACCGCGCACCGCGTCATGGGGGCCG[CCTCGGGCCGCCGGGGGCCGG>C]GGCTGCTGCTGCCGCTGCCGCTGCTGTTGCTGCTGCCGCCGCAGCCCGCCCTGGCGTTGG-3'